The following is an entry in ClinVar:

ClinVar aggregate classification (germline): Uncertain significance (1 of 4 stars; one submission).

Conditions:
Bethlem myopathy 1A. Also called: MYOPATHY, BENIGN CONGENITAL, WITH CONTRACTURES; Bethlem myopathy 1; Bethlem Muscular Dystrophy. Identifiers: Orphanet 610, MedGen CN029274, MONDO:0024530, OMIM 158810.

Allele frequency attached by ClinVar (database versions not stated): gnomAD exomes below 0.00001; gnomAD 0.00001; TOPMed 0.00001.
gnomAD v4.1: 4 of 1,614,054 alleles (0.00025%); highest among the groups gnomAD compares: Non-Finnish European, 0.00034%; no homozygotes.

Submission:

Labcorp Genetics (formerly Invitae), Labcorp
Classification: Uncertain significance for Bethlem myopathy 1A. Last evaluated: 2019-05-21. Review status: criteria provided, single submitter. Criteria: Invitae Variant Classification Sherloc (09022015). Collection method: clinical testing. Allele origin: germline.
Comment: Algorithms developed to predict the effect of missense changes on protein structure and function are either unavailable or do not agree on the potential impact of this missense change (SIFT: "Tolerated"; PolyPhen-2: "Probably Damaging"; Align-GVGD: "Class C0"). In summary, the available evidence is currently insufficient to determine the role of this variant in disease. Therefore, it has been classified as a Variant of Uncertain Significance. This variant has not been reported in the literature in individuals with COL6A3-related conditions. This variant is not present in population databases (ExAC no frequency). This sequence change replaces threonine with isoleucine at codon 1668 of the COL6A3 protein (p.Thr1668Ile). The threonine residue is moderately conserved and there is a moderate physicochemical difference between threonine and isoleucine.

NM_004369.4(COL6A3):c.5003C>T (p.Thr1668Ile)

Gene: COL6A3 (collagen type VI alpha 3 chain; minus strand). Cytogenetic location: 2q37.3.
Variant type: single nucleotide variant.
Coding change: c.5003C>T on transcript NM_004369.4 (MANE Select); coding-DNA position 5003, C replaced by T.
Protein change: p.Thr1668Ile; replaces threonine 1668 with isoleucine.
Molecular consequence: missense variant.
Genome position (GRCh38, 1-based): chr2:237,367,184, G>A on the plus strand (C>T on the coding strand, the complement: COL6A3 is on the minus strand). VCF-style: chr2-237367184-G-A. GRCh37 (hg19) VCF-style: chr2-238275827-G-A.
Other names: c.3182C>T, p.Thr1061Ile (NM_057166.5); c.4385C>T, p.Thr1462Ile (NM_057167.4); short protein forms T1061I, T1668I, T1462I.
Identifiers: ClinVar variation 857749 (VCV000857749.10), dbSNP rs1341078916, ClinGen allele CA351189666.